The following is an entry in ClinVar:

NM_015087.5(SPART):c.1738G>T (p.Gly580Ter)

Gene: SPART (spartin; minus strand). Cytogenetic location: 13q13.3.
Variant type: single nucleotide variant.
Coding change: c.1738G>T on transcript NM_015087.5 (MANE Select); coding-DNA position 1738, G replaced by T.
Protein change: p.Gly580Ter; replaces glycine 580 with a stop codon.
Molecular consequence: nonsense.
Genome position (GRCh38, 1-based): chr13:36,304,628, C>A on the plus strand (G>T on the coding strand, the complement: SPART is on the minus strand). VCF-style: chr13-36304628-C-A. GRCh37 (hg19) VCF-style: chr13-36878765-C-A.
Other names: c.1738G>T, p.Gly580Ter (NM_001142294.2, NM_001142295.2, NM_001142296.2); short protein forms G580*.
Identifiers: ClinVar variation 3775802 (VCV003775802.1).

ClinVar aggregate classification (germline): Likely pathogenic (1 of 4 stars; one submission).

Conditions:
Troyer syndrome (SPG20). Identifiers: Orphanet 101000, MedGen C0393559, MONDO:0010156, OMIM 275900.

Submission:

3billion
Classification: Likely pathogenic for Troyer syndrome. Last evaluated: 2023-09-01. Review status: criteria provided, single submitter. Criteria: ACMG Guidelines, 2015. Collection method: clinical testing. Allele origin: germline. Affected: yes.
Comment: The variant is not observed in the gnomAD v2.1.1 dataset. Predicted Consequence/Location: Stop-gained (nonsense): predicted to result in a loss or disruption of normal protein function through protein truncation. The predicted truncated protein may be shortened by more than 10%. Therefore, this variant is classified as Likely pathogenic according to the recommendation of ACMG/AMP guideline.